The following is an entry in ClinVar:

ClinVar aggregate classification (germline): Uncertain significance (1 of 4 stars; one submission).

Conditions:
Hypertrophic cardiomyopathy. Also called: HYPERTROPHIC MYOCARDIOPATHY. Identifiers: Orphanet 217569, MedGen C0007194, MeSH D002312, MONDO:0005045, HP:0001639.

Submission:

Labcorp Genetics (formerly Invitae), Labcorp
Classification: Uncertain significance for Hypertrophic cardiomyopathy. Last evaluated: 2020-12-24. Review status: criteria provided, single submitter. Criteria: Invitae Variant Classification Sherloc (09022015). Collection method: clinical testing. Allele origin: germline.
Comment: This variant is not present in population databases (ExAC no frequency). This sequence change replaces lysine with asparagine at codon 1537 of the MYH7 protein (p.Lys1537Asn). The lysine residue is highly conserved and there is a moderate physicochemical difference between lysine and asparagine. This variant has not been reported in the literature in individuals with MYH7-related conditions. In summary, the available evidence is currently insufficient to determine the role of this variant in disease. Therefore, it has been classified as a Variant of Uncertain Significance. Algorithms developed to predict the effect of missense changes on protein structure and function are either unavailable or do not agree on the potential impact of this missense change (SIFT: "Deleterious"; PolyPhen-2: "Probably Damaging"; Align-GVGD: "Class C0").

NM_000257.4(MYH7):c.4611G>T (p.Lys1537Asn)

Genes: MHRT (myosin heavy chain associated RNA transcript; plus strand), MYH7 (myosin heavy chain 7; minus strand). Cytogenetic location: 14q11.2.
Variant type: single nucleotide variant.
Coding change: c.4611G>T on transcript NM_000257.4 (MANE Select); coding-DNA position 4611, G replaced by T.
Protein change: p.Lys1537Asn; replaces lysine 1537 with asparagine.
Molecular consequence: missense variant.
Genome position (GRCh38, 1-based): chr14:23,416,901, C>A on the plus strand (G>T on the coding strand, the complement: MYH7 is on the minus strand). VCF-style: chr14-23416901-C-A. GRCh37 (hg19) VCF-style: chr14-23886110-C-A.
Other names: short protein forms K1537N.
Identifiers: ClinVar variation 1019781 (VCV001019781.8), dbSNP rs1892235698, ClinGen allele CA389038030.